The following is an entry in ClinVar:

ClinVar aggregate classification (germline): Uncertain significance (1 of 4 stars; one submission).

Allele frequency attached by ClinVar (database versions not stated): gnomAD exomes below 0.00001.
gnomAD v4.1: 1 of 1,614,082 alleles (0.000062%); highest among the groups gnomAD compares: Non-Finnish European, 0.000085%; no homozygotes.

Submission:

Labcorp Genetics (formerly Invitae), Labcorp
Classification: Uncertain significance. Last evaluated: 2022-11-07. Review status: criteria provided, single submitter. Criteria: Invitae Variant Classification Sherloc (09022015). Collection method: clinical testing. Allele origin: germline.
Comment: In summary, the available evidence is currently insufficient to determine the role of this variant in disease. Therefore, it has been classified as a Variant of Uncertain Significance. Advanced modeling of protein sequence and biophysical properties (such as structural, functional, and spatial information, amino acid conservation, physicochemical variation, residue mobility, and thermodynamic stability) performed at Invitae indicates that this missense variant is not expected to disrupt COL2A1 protein function. This variant has not been reported in the literature in individuals affected with COL2A1-related conditions. This variant is not present in population databases (gnomAD no frequency). This sequence change replaces arginine, which is basic and polar, with threonine, which is neutral and polar, at codon 151 of the COL2A1 protein (p.Arg151Thr).

NM_001844.5(COL2A1):c.452G>C (p.Arg151Thr)

Gene: COL2A1 (collagen type II alpha 1 chain; minus strand). Cytogenetic location: 12q13.11.
Variant type: single nucleotide variant.
Coding change: c.452G>C on transcript NM_001844.5 (MANE Select); coding-DNA position 452, G replaced by C.
Protein change: p.Arg151Thr; replaces arginine 151 with threonine.
Molecular consequence: missense variant.
Genome position (GRCh38, 1-based): chr12:47,997,685, C>G on the plus strand (G>C on the coding strand, the complement: COL2A1 is on the minus strand). VCF-style: chr12-47997685-C-G. GRCh37 (hg19) VCF-style: chr12-48391468-C-G.
Other names: c.245G>C, p.Arg82Thr (NM_033150.3); short protein forms R82T, R151T.
Identifiers: ClinVar variation 3007165 (VCV003007165.3), dbSNP rs2540180558, ClinGen allele CA384524879.